The following is an entry in ClinVar:

ClinVar aggregate classification (germline): Uncertain significance (1 of 4 stars; one submission).

Conditions:
Familial thoracic aortic aneurysm and aortic dissection (TAAD). Also called: Thoracic aortic aneurysms and dissections. Identifiers: Orphanet 91387, MedGen C4707243, MONDO:0019625.
Hereditary cancer-predisposing syndrome. Also called: Neoplastic Syndromes, Hereditary; Tumor predisposition; Hereditary Cancer Syndrome; Hereditary neoplastic syndrome. Identifiers: Orphanet 140162, MedGen C0027672, MeSH D009386, MONDO:0015356.

Submission:

Ambry Genetics
Classification: Uncertain significance for Hereditary cancer-predisposing syndrome; Familial thoracic aortic aneurysm and aortic dissection. Last evaluated: 2026-05-04. Review status: criteria provided, single submitter. Criteria: Ambry Variant Classification Scheme 2023. Collection method: clinical testing. Allele origin: germline.
Comment: The p.Q239R variant (also known as c.716A>G), located in coding exon 5 of the SMAD4 gene, results from an A to G substitution at nucleotide position 716. The glutamine at codon 239 is replaced by arginine, an amino acid with highly similar properties. This amino acid position is conserved. In addition, the in silico prediction for this alteration is inconclusive. Based on the available evidence, the clinical significance of this variant remains unclear.

NM_005359.6(SMAD4):c.716A>G (p.Gln239Arg)

Gene: SMAD4 (SMAD family member 4; plus strand). Cytogenetic location: 18q21.2.
Variant type: single nucleotide variant.
Coding change: c.716A>G on transcript NM_005359.6 (MANE Select); coding-DNA position 716, A replaced by G.
Protein change: p.Gln239Arg; replaces glutamine 239 with arginine.
Molecular consequence: missense variant. On other transcripts: non-coding transcript variant (2).
Genome position (GRCh38, 1-based): chr18:51,058,173, A>G. VCF-style: chr18-51058173-A-G. GRCh37 (hg19) VCF-style: chr18-48584543-A-G.
Other names: c.716A>G, p.Gln239Arg (NM_001407041.1, NM_001407042.1, NM_001407043.1); short protein forms Q239R.
Identifiers: ClinVar variation 4864706 (VCV004864706.1).